The following is an entry in ClinVar:

ClinVar aggregate classification (germline): Uncertain significance (1 of 4 stars; one submission).

Conditions:
Gorlin syndrome. Also called: Basal cell nevus syndrome; Nevoid Basal Cell Carcinoma Syndrome. Identifiers: Orphanet 377, MedGen C0004779, MONDO:0007187.

Submission:

Labcorp Genetics (formerly Invitae), Labcorp
Classification: Uncertain significance for Gorlin syndrome. Last evaluated: 2023-04-25. Review status: criteria provided, single submitter. Criteria: Invitae Variant Classification Sherloc (09022015). Collection method: clinical testing. Allele origin: germline.
Comment: In summary, the available evidence is currently insufficient to determine the role of this variant in disease. Therefore, it has been classified as a Variant of Uncertain Significance. Advanced modeling of protein sequence and biophysical properties (such as structural, functional, and spatial information, amino acid conservation, physicochemical variation, residue mobility, and thermodynamic stability) has been performed at Invitae for this missense variant, however the output from this modeling did not meet the statistical confidence thresholds required to predict the impact of this variant on PTCH1 protein function. This variant has not been reported in the literature in individuals affected with PTCH1-related conditions. This variant is not present in population databases (gnomAD no frequency). This sequence change replaces aspartic acid, which is acidic and polar, with glycine, which is neutral and non-polar, at codon 514 of the PTCH1 protein (p.Asp514Gly).

NM_000264.5(PTCH1):c.1541A>G (p.Asp514Gly)

Gene: PTCH1 (patched 1; minus strand). Cytogenetic location: 9q22.32.
Variant type: single nucleotide variant.
Coding change: c.1541A>G on transcript NM_000264.5 (MANE Select); coding-DNA position 1541, A replaced by G.
Protein change: p.Asp514Gly; replaces aspartic acid 514 with glycine.
Molecular consequence: missense variant. On other transcripts: non-coding transcript variant (1).
Genome position (GRCh38, 1-based): chr9:95,476,820, T>C on the plus strand (A>G on the coding strand, the complement: PTCH1 is on the minus strand). VCF-style: chr9-95476820-T-C. GRCh37 (hg19) VCF-style: chr9-98239102-T-C.
Other names: c.1343A>G, p.Asp448Gly (NM_001083602.3); c.1538A>G, p.Asp513Gly (NM_001083603.3); c.1088A>G, p.Asp363Gly (NM_001083604.3, NM_001083605.3, NM_001083606.3 and 1 more transcripts); c.1385A>G, p.Asp462Gly (NM_001354918.2); short protein forms D513G, D514G, D363G, D462G, D448G.
Identifiers: ClinVar variation 2859095 (VCV002859095.3), dbSNP rs2118283709, ClinGen allele CA374118279.